The following is an entry in ClinVar:

NM_020765.3(UBR4):c.5883C>A (p.Pro1961=)

Genes: UBR4 (ubiquitin protein ligase E3 component n-recognin 4; minus strand), LOC126805643 (CDK7 strongly-dependent group 2 enhancer GRCh37_chr1:19482517-19483716; plus strand). Cytogenetic location: 1p36.13.
Variant type: single nucleotide variant.
Coding change: c.5883C>A on transcript NM_020765.3 (MANE Select); coding-DNA position 5883, C replaced by A.
Protein change: p.Pro1961=; no amino-acid change (proline 1961 retained).
Molecular consequence: synonymous variant.
Genome position (GRCh38, 1-based): chr1:19,156,803, G>T on the plus strand (C>A on the coding strand, the complement: UBR4 is on the minus strand). VCF-style: chr1-19156803-G-T. GRCh37 (hg19) VCF-style: chr1-19483297-G-T.
Identifiers: ClinVar variation 3039925 (VCV003039925.2), dbSNP rs139630441, ClinGen allele CA650459.

ClinVar aggregate classification (germline): Likely benign (0 of 4 stars; one submission).

Conditions:
UBR4-related disorder. Also called: UBR4-related condition.

Allele frequency attached by ClinVar (database versions not stated): TOPMed 0.00012; ESP Exome Variant Server 0.00015; 1000 Genomes Project 30x 0.00016; ExAC 0.00016; gnomAD 0.00017; 1000 Genomes Project 0.00020; gnomAD exomes 0.00034.
gnomAD v4.1: 513 of 1,614,138 alleles (0.032%); highest among the groups gnomAD compares: Non-Finnish European, 0.042%; no homozygotes.

Submission:

PreventionGenetics, part of Exact Sciences
Classification: Likely benign for UBR4-related condition. Last evaluated: 2019-09-17. Review status: no assertion criteria provided. Collection method: clinical testing. Allele origin: germline.
Comment: This variant is classified as likely benign based on ACMG/AMP sequence variant interpretation guidelines (Richards et al. 2015 PMID: 25741868, with internal and published modifications).